The following is an entry in ClinVar:

NM_000540.3(RYR1):c.9894C>T (p.Ala3298=)

Gene: RYR1 (ryanodine receptor 1; plus strand). Cytogenetic location: 19q13.2.
Variant type: single nucleotide variant.
Coding change: c.9894C>T on transcript NM_000540.3 (MANE Select); coding-DNA position 9894, C replaced by T.
Protein change: p.Ala3298=; no amino-acid change (alanine 3298 retained).
Molecular consequence: synonymous variant.
Genome position (GRCh38, 1-based): chr19:38,517,567, C>T. VCF-style: chr19-38517567-C-T. GRCh37 (hg19) VCF-style: chr19-39008207-C-T.
Other names: c.9894C>T, p.Ala3298= (NM_001042723.2).
Identifiers: ClinVar variation 1577745 (VCV001577745.9), dbSNP rs763672253, ClinGen allele CA074295.
Genomic context (GRCh38, chr19:38,517,567, plus strand): 5'-CAGCTACCTGCCCCGATGGTGGGAGCGCGGGCCCGAGGCACCCCCTTCCGCCCTGCCCGC[C>T]GGCGCCCCCCCACCCTGCACAGCTGTCACCTCTGACCACCTCAACTCCCTGCTGGGGAAT-3'
Protein context (NP_000531.2, residues 3288-3308): GPEAPPSALP[Ala3298=]GAPPPCTAVT

ClinVar aggregate classification (germline): Likely benign. Review status: criteria provided, multiple submitters, no conflicts (2 of 4 stars). 2 submissions from 2 submitters: Likely benign (2). Last evaluated 2025-05-15.

Conditions:
RYR1-related disorder. Also called: RYR1-related condition; RYR1-related disorders. Identifiers: MedGen CN239331.
Malignant hyperthermia, susceptibility to, 1 (MHS1). Also called: Malignant hyperthermia suceptibility 1; Anesthesia related hyperthermia; Malignant hyperpyrexia; Fulminating hyperpyrexia; Pharmacogenic myopathy; RYR1-Related Malignant Hyperthermia Susceptibility. Identifiers: Orphanet 423, MedGen C2930980, MONDO:0007783, OMIM 145600.

Allele frequency attached by ClinVar (database versions not stated): gnomAD 0.00001; TOPMed 0.00001; gnomAD exomes 0.00002; ExAC 0.00003.
gnomAD v4.1: 34 of 1,613,832 alleles (0.0021%); highest among the groups gnomAD compares: South Asian, 0.0033%; no homozygotes.

Submissions (2):

Labcorp Genetics (formerly Invitae), Labcorp
Classification: Likely benign for RYR1-related disorder. Last evaluated: 2025-05-15. Review status: criteria provided, single submitter. Criteria: Invitae Variant Classification Sherloc (09022015). Collection method: clinical testing. Allele origin: germline.

All of Us Research Program, National Institutes of Health
Classification: Likely benign for Malignant hyperthermia, susceptibility to, 1. Last evaluated: 2023-11-20. Review status: criteria provided, single submitter. Criteria: ACMG Guidelines, 2015. Collection method: clinical testing. Allele origin: germline. Inheritance: Autosomal dominant inheritance. Observed: 3 variant alleles, 3 heterozygotes.
Comment: This study involves interpretation of variants in research participants for the purpose of population health screening. Participant phenotype was not available at the time of variant classification. Additional details can be found in publication PMID: 35346344, PMCID: PMC8962531